The following is an entry in ClinVar:

NM_005002.5(NDUFA9):c.1039C>T (p.Leu347Phe)

Gene: NDUFA9 (NADH:ubiquinone oxidoreductase subunit A9; plus strand). Cytogenetic location: 12p13.32.
Variant type: single nucleotide variant.
Coding change: c.1039C>T on transcript NM_005002.5 (MANE Select); coding-DNA position 1039, C replaced by T.
Protein change: p.Leu347Phe; replaces leucine 347 with phenylalanine.
Molecular consequence: missense variant.
Genome position (GRCh38, 1-based): chr12:4,687,013, C>T. VCF-style: chr12-4687013-C-T. GRCh37 (hg19) VCF-style: chr12-4796179-C-T.
Other names: short protein forms L347F.
Identifiers: ClinVar variation 2281787 (VCV002281787.5), dbSNP rs199701303, ClinGen allele CA6398363.
Genomic context (GRCh38, chr12:4,687,013, plus strand): 5'-ATGAAATTGCCTCACCTGCCTGGCTTAGAAGACCTTGGTATTCAGGCAACACCACTGGAA[C>T]TCAAGGCCATTGAGGTGCTGCGGCGTCATCGCACTTACCGCTGGCTGTCTGCTGAAATTG-3'
Protein context (NP_004993.1, residues 337-357): DLGIQATPLE[Leu347Phe]KAIEVLRRHR

ClinVar aggregate classification (germline): Uncertain significance. Review status: criteria provided, multiple submitters, no conflicts (2 of 4 stars). 3 submissions from 3 submitters: Uncertain significance (3). Last evaluated 2025-09-12.

Conditions:
Inborn genetic diseases. Identifiers: MedGen C0950123, MeSH D030342.

Allele frequency attached by ClinVar (database versions not stated): gnomAD exomes 0.00001; gnomAD 0.00002; TOPMed 0.00004; ExAC 0.00006; ESP Exome Variant Server 0.00023.
gnomAD v4.1: 12 of 1,614,090 alleles (0.00074%); highest among the groups gnomAD compares: African/African-American, 0.004%; no homozygotes.

Submissions (3):

GeneDx
Classification: Uncertain significance. Last evaluated: 2025-09-12. Review status: criteria provided, single submitter. Criteria: GeneDx Variant Classification Process June 2021. Collection method: clinical testing. Allele origin: germline.
Comment: Not observed at significant frequency in large population cohorts (gnomAD); In silico analysis suggests that this missense variant does not alter protein structure/function; Has not been previously published as pathogenic or benign to our knowledge

Labcorp Genetics (formerly Invitae), Labcorp
Classification: Uncertain significance. Last evaluated: 2025-04-28. Review status: criteria provided, single submitter. Criteria: Invitae Variant Classification Sherloc (09022015). Collection method: clinical testing. Allele origin: germline.
Comment: This sequence change replaces leucine, which is neutral and non-polar, with phenylalanine, which is neutral and non-polar, at codon 347 of the NDUFA9 protein (p.Leu347Phe). This variant is present in population databases (rs199701303, gnomAD 0.007%). This variant has not been reported in the literature in individuals affected with NDUFA9-related conditions. ClinVar contains an entry for this variant (Variation ID: 2281787). An algorithm developed to predict the effect of missense changes on protein structure and function (PolyPhen-2) suggests that this variant is likely to be tolerated. In summary, the available evidence is currently insufficient to determine the role of this variant in disease. Therefore, it has been classified as a Variant of Uncertain Significance.

Ambry Genetics
Classification: Uncertain significance for Inborn genetic diseases. Last evaluated: 2022-04-07. Review status: criteria provided, single submitter. Criteria: Ambry Variant Classification Scheme 2023. Collection method: clinical testing. Allele origin: germline.